The following is an entry in ClinVar:

ClinVar aggregate classification (germline): Uncertain significance (1 of 4 stars; one submission).

Conditions:
GM1 gangliosidosis. Identifiers: Orphanet 354, MedGen C0085131, MONDO:0018149.
Mucopolysaccharidosis, MPS-IV-B (MPS4B). Also called: MORQUIO SYNDROME B; Mucopolysaccharidosis Type IVB (Morquio B Disease); Mucopolysaccharidosis type 4B; Mucopolysaccharidosis type IVB (Morquio); MPS IVB; Mucopolysaccharidosis type IV B. Identifiers: Orphanet 309310, Orphanet 582, MedGen C0086652, MONDO:0009660, OMIM 253010.

Allele frequency attached by ClinVar (database versions not stated): gnomAD exomes 0.00001; 1000 Genomes Project 0.00020; 1000 Genomes Project 30x 0.00031.

Submission:

Labcorp Genetics (formerly Invitae), Labcorp
Classification: Uncertain significance for Mucopolysaccharidosis, MPS-IV-B; GM1 gangliosidosis. Last evaluated: 2024-02-24. Review status: criteria provided, single submitter. Criteria: Invitae Variant Classification Sherloc (09022015). Collection method: clinical testing. Allele origin: germline.
Comment: This sequence change replaces glycine, which is neutral and non-polar, with aspartic acid, which is acidic and polar, at codon 363 of the GLB1 protein (p.Gly363Asp). This variant is present in population databases (rs189503132, gnomAD 0.04%). This variant has not been reported in the literature in individuals affected with GLB1-related conditions. ClinVar contains an entry for this variant (Variation ID: 1517651). Advanced modeling of protein sequence and biophysical properties (such as structural, functional, and spatial information, amino acid conservation, physicochemical variation, residue mobility, and thermodynamic stability) performed at Invitae indicates that this missense variant is expected to disrupt GLB1 protein function with a positive predictive value of 95%. In summary, the available evidence is currently insufficient to determine the role of this variant in disease. Therefore, it has been classified as a Variant of Uncertain Significance.

NM_000404.4(GLB1):c.1088G>A (p.Gly363Asp)

Gene: GLB1 (galactosidase beta 1; minus strand). Cytogenetic location: 3p22.3.
Variant type: single nucleotide variant.
Coding change: c.1088G>A on transcript NM_000404.4 (MANE Select); coding-DNA position 1088, G replaced by A.
Protein change: p.Gly363Asp; replaces glycine 363 with aspartic acid.
Molecular consequence: missense variant.
Genome position (GRCh38, 1-based): chr3:33,024,306, C>T on the plus strand (G>A on the coding strand, the complement: GLB1 is on the minus strand). VCF-style: chr3-33024306-C-T. GRCh37 (hg19) VCF-style: chr3-33065798-C-T.
Other names: c.998G>A, p.Gly333Asp (NM_001079811.3); c.695G>A, p.Gly232Asp (NM_001135602.3); c.1232G>A, p.Gly411Asp (NM_001317040.2); c.1088G>A, p.Gly363Asp (NM_001393580.1); short protein forms G333D, G363D, G232D, G411D.
Identifiers: ClinVar variation 1517651 (VCV001517651.6), dbSNP rs189503132, ClinGen allele CA2299505.
Genomic context (GRCh38, chr3:33,024,306, plus strand): 5'-CTTACCTTTTCCAAAGTGACCTTTCCATATGCAAACTTTGGTGTAGATGGAGGGATAGGA[C>T]CTTCTGGTACTTTTTCAAACTATAAACCAGAGTAGAAAAAGAGAGAAAAGAAAAAAAGTT-3'
Protein context (NP_000395.3, residues 353-373): IIQKFEKVPE[Gly363Asp]PIPPSTPKFA